The following is an entry in ClinVar:

ClinVar aggregate classification (germline): Uncertain significance. Review status: criteria provided, multiple submitters, no conflicts (2 of 4 stars). 3 submissions from 3 submitters: Uncertain significance (3). Last evaluated 2025-07-21.

Conditions:
Cardiovascular phenotype. Identifiers: MedGen CN230736.
Noonan syndrome 9 (NS9). Identifiers: Orphanet 648, MedGen C4225282, MONDO:0014691, OMIM 616559.

Allele frequency attached by ClinVar (database versions not stated): gnomAD exomes 0.00001 and 0.00003.
gnomAD v4.1: 44 of 1,613,806 alleles (0.0027%); highest among the groups gnomAD compares: Non-Finnish European, 0.0035%; no homozygotes.

Submissions (3):

Labcorp Genetics (formerly Invitae), Labcorp
Classification: Uncertain significance for Noonan syndrome 9. Last evaluated: 2025-07-21. Review status: criteria provided, single submitter. Criteria: Invitae Variant Classification Sherloc (09022015). Collection method: clinical testing. Allele origin: germline.
Comment: This sequence change replaces asparagine, which is neutral and polar, with aspartic acid, which is acidic and polar, at codon 583 of the SOS2 protein (p.Asn583Asp). This variant is present in population databases (no rsID available, gnomAD 0.0009%). This variant has not been reported in the literature in individuals affected with SOS2-related conditions. ClinVar contains an entry for this variant (Variation ID: 1507530). Invitae Evidence Modeling of protein sequence and biophysical properties (such as structural, functional, and spatial information, amino acid conservation, physicochemical variation, residue mobility, and thermodynamic stability) has been performed for this missense variant. However, the output from this modeling did not meet the statistical confidence thresholds required to predict the impact of this variant on SOS2 protein function. In summary, the available evidence is currently insufficient to determine the role of this variant in disease. Therefore, it has been classified as a Variant of Uncertain Significance.

Ambry Genetics
Classification: Uncertain significance for Cardiovascular phenotype. Last evaluated: 2025-01-18. Review status: criteria provided, single submitter. Criteria: Ambry Variant Classification Scheme 2023. Collection method: clinical testing. Allele origin: germline.

Fulgent Genetics
Classification: Uncertain significance for Noonan syndrome 9. Last evaluated: 2021-08-12. Review status: criteria provided, single submitter. Criteria: ACMG Guidelines, 2015. Collection method: clinical testing. Allele origin: unknown.

NM_006939.4(SOS2):c.1747A>G (p.Asn583Asp)

Gene: SOS2 (SOS Ras/Rho guanine nucleotide exchange factor 2; minus strand). Cytogenetic location: 14q21.3.
Variant type: single nucleotide variant.
Coding change: c.1747A>G on transcript NM_006939.4 (MANE Select); coding-DNA position 1747, A replaced by G.
Protein change: p.Asn583Asp; replaces asparagine 583 with aspartic acid.
Molecular consequence: missense variant.
Genome position (GRCh38, 1-based): chr14:50,159,536, T>C on the plus strand (A>G on the coding strand, the complement: SOS2 is on the minus strand). VCF-style: chr14-50159536-T-C. GRCh37 (hg19) VCF-style: chr14-50626254-T-C.
Other names: c.1747A>G (NM_006939.2); short protein forms N583D.
Identifiers: ClinVar variation 1507530 (VCV001507530.11), dbSNP rs1388854755, ClinGen allele CA389645068.